The following is an entry in ClinVar:

ClinVar aggregate classification (germline): Likely pathogenic (1 of 4 stars; one submission).

Conditions:
Sotos syndrome (SOTOS). Also called: CHROMOSOME 5q35 DELETION SYNDROME; CEREBRAL GIGANTISM; Sotos' syndrome; Distinctive facial appearance, overgrowth in childhood, and learning disabilities or delayed development; SOTOS SYNDROME 1. Identifiers: Orphanet 821, MedGen C0175695, MONDO:0019349, OMIM 117550.

Submission:

3billion
Classification: Likely pathogenic for Sotos syndrome. Last evaluated: 2025-05-16. Review status: criteria provided, single submitter. Criteria: ACMG Guidelines, 2015. Collection method: clinical testing. Allele origin: germline. Affected: yes.
Comment: The variant is not observed in the gnomAD v4.1.0 dataset. Predicted Consequence/Location: Frameshift: predicted to result in a loss or disruption of normal protein function through nonsense-mediated decay (NMD) or protein truncation. Multiple pathogenic variants are reported downstream of the variant. Therefore, this variant is classified as Likely pathogenic according to the recommendation of ACMG/AMP guideline.

NM_022455.5(NSD1):c.4883_4886dup (p.Gln1629fs)

Gene: NSD1 (nuclear receptor binding SET domain protein 1; plus strand). Cytogenetic location: 5q35.3.
Variant type: Duplication.
Coding change: c.4883_4886dup on transcript NM_022455.5 (MANE Select); coding-DNA positions 4883 to 4886, 4 bases duplicated (TGCA; older notation c.4883_4886dupTGCA).
Protein change: p.Gln1629fs; shifts the reading frame from glutamine 1629.
Molecular consequence: frameshift variant.
Genome position (GRCh38, 1-based): chr5:177,257,068-177,257,071, TGCA duplicated; duplicating any 4 consecutive bases within chr5:177,257,067-177,257,071 gives the same sequence; the c. name uses the placement nearest the transcript's 3' end. VCF-style (leftmost placement, unchanged base first): chr5-177257066-T-TATGC. GRCh37 (hg19) VCF-style: chr5-176684067-T-TATGC.
Other names: c.4883_4886dup, p.Gln1629fs (NM_001409303.1, NM_001409301.1, NM_001409302.1); c.4463_4466dup, p.Gln1489fs (NM_001409304.1); c.4130_4133dup, p.Gln1378fs (NM_001409305.1); c.4121_4124dup, p.Gln1375fs (NM_001409306.1, NM_001409307.1); c.4010_4013dup, p.Gln1338fs (NM_001409308.1, NM_001409309.1, NM_172349.5 and 1 more transcripts); short protein forms Q1338fs, Q1375fs, Q1378fs, Q1489fs, Q1629fs.
Identifiers: ClinVar variation 4854788 (VCV004854788.1).